The following is an entry in ClinVar:

ClinVar aggregate classification (germline): Uncertain significance (1 of 4 stars; one submission).

Submission:

GeneDx
Classification: Uncertain significance. Last evaluated: 2025-07-02. Review status: criteria provided, single submitter. Criteria: GeneDx Variant Classification Process June 2021. Collection method: clinical testing. Allele origin: germline. Affected: yes.
Comment: In-frame deletion of 1 amino acid in a non-repeat region; Not observed at significant frequency in large population cohorts (gnomAD); In silico analysis supports a deleterious effect on protein structure/function; In silico analysis is inconclusive as to whether the variant alters gene splicing. In the absence of RNA/functional studies, the actual effect of this sequence change is unknown; Has not been previously published as pathogenic or benign to our knowledge

NM_030752.3(TCP1):c.1100_1102del (p.Thr367del)

Gene: TCP1 (t-complex 1; minus strand). Cytogenetic location: 6q25.3.
Variant type: Deletion.
Coding change: c.1100_1102del on transcript NM_030752.3 (MANE Select); coding-DNA positions 1100 to 1102, 3 bases deleted (CTA; older notation c.1100_1102delCTA).
Protein change: p.Thr367del; deletes threonine 367.
Molecular consequence: inframe deletion.
Genome position (GRCh38, 1-based): chr6:159,780,083-159,780,085, TAG deleted on the plus strand (CTA on the coding strand, the reverse complement: TCP1 is on the minus strand); deleting any 3 consecutive bases within chr6:159,780,083-159,780,087 gives the same sequence; the c. name uses the placement nearest the transcript's 3' end. VCF-style (leftmost placement, unchanged base first): chr6-159780082-TTAG-T. GRCh37 (hg19) VCF-style: chr6-160201114-TTAG-T.
Other names: c.635_637del, p.Thr212del (NM_001008897.2); short protein forms T212del, T367del.
Identifiers: ClinVar variation 4680947 (VCV004680947.1).
Genomic context (GRCh38, chr6:159,780,082, plus strand): 5'-ATCTCATCACACATGAAATCATTTGCCCCACGTAAGATAATCGATGCAGACGTACGAGCC[TTAG>T]TACTGTTCAAAACAAAAGTACAATTCTTGTAATAGCATTTTTAAAAATTTTTTTTTGCCA-3'